The following is an entry in ClinVar:

ClinVar aggregate classification (germline): Uncertain significance (1 of 4 stars; one submission).

Conditions:
Cryopyrin associated periodic syndrome (CAPS). Identifiers: Orphanet 208650, MedGen C2316212, MONDO:0016168.

Submission:

Labcorp Genetics (formerly Invitae), Labcorp
Classification: Uncertain significance for Cryopyrin associated periodic syndrome. Last evaluated: 2025-09-17. Review status: criteria provided, single submitter. Criteria: Invitae Variant Classification Sherloc (09022015). Collection method: clinical testing. Allele origin: germline.
Comment: This sequence change affects an acceptor splice site in intron 5 of the NLRP3 gene. It is expected to disrupt RNA splicing. Variants that disrupt the donor or acceptor splice site typically lead to a loss of protein function (PMID: 16199547), however the current clinical and genetic evidence is not sufficient to establish whether loss-of-function variants in NLRP3 cause disease. This variant is not present in population databases (gnomAD no frequency). This variant has not been reported in the literature in individuals affected with NLRP3-related conditions. Algorithms developed to predict the effect of sequence changes on RNA splicing suggest that this variant may disrupt the consensus splice site. In summary, the available evidence is currently insufficient to determine the role of this variant in disease. Therefore, it has been classified as a Variant of Uncertain Significance.

Literature cited by the submitters: PubMed 16199547.

NM_001243133.2(NLRP3):c.2493-2A>G

Gene: NLRP3 (NLR family pyrin domain containing 3; plus strand). Cytogenetic location: 1q44.
Variant type: single nucleotide variant.
Coding change: c.2493-2A>G on transcript NM_001243133.2 (MANE Select); the canonical splice acceptor site of the intron before coding-DNA position 2493, A replaced by G.
Molecular consequence: splice acceptor variant. On other transcripts: intron variant (2).
Genome position (GRCh38, 1-based): chr1:247,435,968, A>G. VCF-style: chr1-247435968-A-G. GRCh37 (hg19) VCF-style: chr1-247599270-A-G.
Other names: c.2321+1695A>G (NM_183395.3); c.2493-2A>G (NM_001079821.3); c.2499-2A>G (NM_004895.5); c.2492+1695A>G (NM_001127461.3); c.2322-2A>G (NM_001127462.3).
Identifiers: ClinVar variation 4727392 (VCV004727392.1).
Genomic context (GRCh38, chr1:247,435,968, plus strand): 5'-TCCTTGTCCATGGTGGAGCGTGGGTGAGAGACATGACTGACATTCTGCCATCTCTATGGA[A>G]GGTTGGTCAGCTGCTGCCTCACATCAGCATGTTGTCAGGATCTTGCATCAGTATTGAGCA-3'